The following is an entry in ClinVar:

ClinVar aggregate classification (germline): Uncertain significance. Review status: criteria provided, multiple submitters, no conflicts (2 of 4 stars). 3 submissions from 3 submitters: Uncertain significance (3). Last evaluated 2025-11-09.

Conditions:
Cardiomyopathy, familial hypertrophic 27. Identifiers: MedGen C4748014, MONDO:0054838, OMIM 618052.
Cardiovascular phenotype. Identifiers: MedGen CN230736.

Allele frequency attached by ClinVar (database versions not stated): ExAC 0.00001; gnomAD 0.00001; gnomAD exomes 0.00001; TOPMed 0.00001.
gnomAD v4.1: 13 of 1,614,108 alleles (0.00081%); highest among the groups gnomAD compares: Admixed American, 0.005%; no homozygotes.

Submissions (3):

Labcorp Genetics (formerly Invitae), Labcorp
Classification: Uncertain significance. Last evaluated: 2025-11-09. Review status: criteria provided, single submitter. Criteria: Invitae Variant Classification Sherloc (09022015). Collection method: clinical testing. Allele origin: germline.
Comment: This sequence change replaces tyrosine, which is neutral and polar, with cysteine, which is neutral and slightly polar, at codon 1763 of the ALPK3 protein (p.Tyr1763Cys). This variant is present in population databases (rs752385946, gnomAD 0.004%). This variant has not been reported in the literature in individuals affected with ALPK3-related conditions. ClinVar contains an entry for this variant (Variation ID: 1983819). Invitae Evidence Modeling of protein sequence and biophysical properties (such as structural, functional, and spatial information, amino acid conservation, physicochemical variation, residue mobility, and thermodynamic stability) indicates that this missense variant is expected to disrupt ALPK3 protein function with a positive predictive value of 80%. In summary, the available evidence is currently insufficient to determine the role of this variant in disease. Therefore, it has been classified as a Variant of Uncertain Significance.

Ambry Genetics
Classification: Uncertain significance for Cardiovascular phenotype. Last evaluated: 2025-02-05. Review status: criteria provided, single submitter. Criteria: Ambry Variant Classification Scheme 2023. Collection method: clinical testing. Allele origin: germline.
Comment: The p.Y1763C variant (also known as c.5288A>G), located in coding exon 12 of the ALPK3 gene, results from an A to G substitution at nucleotide position 5288. The tyrosine at codon 1763 is replaced by cysteine, an amino acid with highly dissimilar properties. This amino acid position is conserved. In addition, this alteration is predicted to be tolerated by in silico analysis. Since supporting evidence is limited at this time, the clinical significance of this alteration remains unclear.

ARUP Laboratories, Molecular Genetics and Genomics, ARUP Laboratories
Classification: Uncertain significance for Cardiomyopathy, familial hypertrophic 27. Last evaluated: 2024-10-29. Review status: criteria provided, single submitter. Criteria: ARUP Molecular Germline Variant Investigation Process 2024. Collection method: clinical testing. Allele origin: germline.
Comment: The ALPK3 c.4682A>G; p.Tyr1561Cys variant (rs752385946), to our knowledge, is not reported in the medical literature but is reported in ClinVar (Variation ID: 1983819). This variant is only observed on one allele in the Genome Aggregation Database (v2.1.1), indicating it is not a common polymorphism. Computational analyses are uncertain whether this variant is neutral or deleterious (REVEL: 0.389). Due to limited information, the clinical significance of this variant is uncertain at this time.

NM_020778.5(ALPK3):c.4682A>G (p.Tyr1561Cys)

Gene: ALPK3 (alpha kinase 3; plus strand). Cytogenetic location: 15q25.3.
Variant type: single nucleotide variant.
Coding change: c.4682A>G on transcript NM_020778.5 (MANE Select); coding-DNA position 4682, A replaced by G.
Protein change: p.Tyr1561Cys; replaces tyrosine 1561 with cysteine.
Molecular consequence: missense variant.
Genome position (GRCh38, 1-based): chr15:84,864,624, A>G. VCF-style: chr15-84864624-A-G. GRCh37 (hg19) VCF-style: chr15-85407855-A-G.
Other names: c.5288A>G (NM_020778.4); short protein forms Y1561C.
Identifiers: ClinVar variation 1983819 (VCV001983819.8), dbSNP rs752385946, ClinGen allele CA7710046.